The following is an entry in ClinVar:

NM_001379500.1(COL18A1):c.2360C>A (p.Pro787Gln)

Gene: COL18A1 (collagen type XVIII alpha 1 chain; plus strand). Cytogenetic location: 21q22.3.
Variant type: single nucleotide variant.
Coding change: c.2360C>A on transcript NM_001379500.1 (MANE Select); coding-DNA position 2360, C replaced by A.
Protein change: p.Pro787Gln; replaces proline 787 with glutamine.
Molecular consequence: missense variant.
Genome position (GRCh38, 1-based): chr21:45,494,552, C>A. VCF-style: chr21-45494552-C-A. GRCh37 (hg19) VCF-style: chr21-46914466-C-A.
Other names: c.2900C>A, p.Pro967Gln (NM_030582.4); c.3605C>A, p.Pro1202Gln (NM_130444.3); short protein forms P1202Q, P787Q, P967Q.
Identifiers: ClinVar variation 1499077 (VCV001499077.3), dbSNP rs367994730, ClinGen allele CA410497563.

ClinVar aggregate classification (germline): Uncertain significance (1 of 4 stars; one submission).

Submission:

Labcorp Genetics (formerly Invitae), Labcorp
Classification: Uncertain significance. Last evaluated: 2021-11-01. Review status: criteria provided, single submitter. Criteria: Invitae Variant Classification Sherloc (09022015). Collection method: clinical testing. Allele origin: germline.
Comment: This sequence change replaces proline, which is neutral and non-polar, with glutamine, which is neutral and polar, at codon 787 of the COL18A1 protein (p.Pro787Gln). This variant is not present in population databases (gnomAD no frequency). This variant has not been reported in the literature in individuals affected with COL18A1-related conditions. Experimental studies and prediction algorithms are not available or were not evaluated, and the functional significance of this variant is currently unknown. In summary, the available evidence is currently insufficient to determine the role of this variant in disease. Therefore, it has been classified as a Variant of Uncertain Significance.